The following is an entry in ClinVar:

ClinVar aggregate classification (germline): Uncertain significance (1 of 4 stars; one submission).

Submission:

Ambry Genetics
Classification: Uncertain significance. Last evaluated: 2026-04-24. Review status: criteria provided, single submitter. Criteria: Ambry Variant Classification Scheme 2023. Collection method: clinical testing. Allele origin: germline.
Comment: The p.F69I variant (also known as c.205T>A), located in coding exon 1 of the RNF43 gene, results from a T to A substitution at nucleotide position 205. The phenylalanine at codon 69 is replaced by isoleucine, an amino acid with highly similar properties. This amino acid position is conserved. In addition, the in silico prediction for this alteration is inconclusive. Based on the available evidence, the clinical significance of this variant remains unclear.

NM_017763.6(RNF43):c.205T>A (p.Phe69Ile)

Gene: RNF43 (ring finger protein 43; minus strand). Cytogenetic location: 17q22.
Variant type: single nucleotide variant.
Coding change: c.205T>A on transcript NM_017763.6 (MANE Select); coding-DNA position 205, T replaced by A.
Protein change: p.Phe69Ile; replaces phenylalanine 69 with isoleucine.
Molecular consequence: missense variant. On other transcripts: intron variant (1).
Genome position (GRCh38, 1-based): chr17:58,415,373, A>T on the plus strand (T>A on the coding strand, the complement: RNF43 is on the minus strand). VCF-style: chr17-58415373-A-T. GRCh37 (hg19) VCF-style: chr17-56492734-A-T.
Other names: c.205T>A, p.Phe69Ile (NM_001305544.3, NM_001438820.1, NM_001438821.1 and 1 more transcripts); c.-130+1644T>A (NM_001437987.1); short protein forms F69I.
Identifiers: ClinVar variation 4863406 (VCV004863406.1).